The following is an entry in ClinVar:

ClinVar aggregate classification (germline): Uncertain significance. Review status: criteria provided, multiple submitters, no conflicts (2 of 4 stars). 2 submissions from 2 submitters: Uncertain significance (2). Last evaluated 2018-10-21.

Conditions:
Hypertrophic cardiomyopathy 2. Also called: TNNT2-Related Familial Hypertrophic Cardiomyopathy. Identifiers: MedGen C1861864, MONDO:0007266, OMIM 115195.
Dilated cardiomyopathy 1D. Identifiers: Orphanet 154, Orphanet 54260, MedGen C1832243, MONDO:0011095, OMIM 601494.
Cardiomyopathy, familial restrictive, 3. Identifiers: Orphanet 75249, MedGen C2676271, MONDO:0012900, OMIM 612422.

Allele frequency attached by ClinVar (database versions not stated): 1000 Genomes Project 30x 0.00016.

Submissions (2):

Labcorp Genetics (formerly Invitae), Labcorp
Classification: Uncertain significance for Cardiomyopathy, familial restrictive, 3; Hypertrophic cardiomyopathy 2; Dilated cardiomyopathy 1D. Last evaluated: 2018-10-21. Review status: criteria provided, single submitter. Criteria: Invitae Variant Classification Sherloc (09022015). Collection method: clinical testing. Allele origin: germline.
Comment: This sequence change replaces alanine with threonine at codon 104 of the TNNT2 protein (p.Ala104Thr). The alanine residue is weakly conserved and there is a small physicochemical difference between alanine and threonine. This variant is not present in population databases (ExAC no frequency). This variant has not been reported in the literature in individuals with TNNT2-related disease. Algorithms developed to predict the effect of missense changes on protein structure and function output the following: SIFT: "Tolerated"; PolyPhen-2: "Benign"; Align-GVGD: "Class C0". The threonine amino acid residue is found in multiple mammalian species, suggesting that this missense change does not adversely affect protein function. These predictions have not been confirmed by published functional studies and their clinical significance is uncertain. This variant disrupts the p.Ala104 amino acid residue in TNNT2. Other variant(s) that disrupt this residue have been observed in affected individuals (PMID: 9140840, 27532257, 28408708), suggesting that it is a clinically significant residue. As a result, variants that disrupt this residue are likely to be causative of disease. In summary, the available evidence is currently insufficient to determine the role of this variant in disease. Therefore, it has been classified as a Variant of Uncertain Significance.

Breakthrough Genomics
Classification: Uncertain significance. Review status: criteria provided, single submitter. Criteria: ACMG Guidelines, 2015. Collection method: not provided. Allele origin: germline. Inheritance: Autosomal dominant inheritance. Affected: yes.

Literature cited by the submitters: PubMed 9140840 (cited by Labcorp Genetics (formerly Invitae), Labcorp); PubMed 27532257 (cited by Labcorp Genetics (formerly Invitae), Labcorp); PubMed 28408708 (cited by Labcorp Genetics (formerly Invitae), Labcorp).

NM_001276345.2(TNNT2):c.340G>A (p.Ala114Thr)

Gene: TNNT2 (troponin T2, cardiac type; minus strand). Cytogenetic location: 1q32.1.
Variant type: single nucleotide variant.
Coding change: c.340G>A on transcript NM_001276345.2 (MANE Select); coding-DNA position 340, G replaced by A.
Protein change: p.Ala114Thr; replaces alanine 114 with threonine.
Molecular consequence: missense variant. On other transcripts: intron variant (1).
Genome position (GRCh38, 1-based): chr1:201,365,262, C>T on the plus strand (G>A on the coding strand, the complement: TNNT2 is on the minus strand). VCF-style: chr1-201365262-C-T. GRCh37 (hg19) VCF-style: chr1-201334390-C-T.
Other names: c.340G>A, p.Ala114Thr (NM_000364.4); c.310G>A, p.Ala104Thr (NM_001001430.3, NM_001001431.3, NM_001276347.2); c.295G>A, p.Ala99Thr (NM_001001432.3); c.291+348G>A (NM_001276346.2); short protein forms A114T, A99T, A104T.
Identifiers: ClinVar variation 641580 (VCV000641580.10), dbSNP rs1553282527, ClinGen allele CA344206436.